The following is an entry in ClinVar:

ClinVar aggregate classification (germline): Likely benign (1 of 4 stars; one submission).

gnomAD v4.1: 418 of 1,608,604 alleles (0.026%); highest among the groups gnomAD compares: East Asian, 0.18%; 2 homozygotes.

Submission:

CeGaT Center for Human Genetics Tuebingen
Classification: Likely benign. Last evaluated: 2025-07-01. Review status: criteria provided, single submitter. Criteria: CeGaT Center For Human Genetics Tuebingen Variant Classification Criteria Version 2. Collection method: clinical testing. Allele origin: germline. Affected: yes. Observed: 1 variant allele.
Comment: WWOX: BP4

NM_016373.4(WWOX):c.*54G>T

Genes: MAF (MAF bZIP transcription factor; minus strand), WWOX (WW domain containing oxidoreductase; plus strand). Cytogenetic location: 16q23.2.
Variant type: single nucleotide variant.
Coding change: c.*54G>T on transcript NM_016373.4 (MANE Select); 54 bases downstream of the stop codon, G replaced by T.
Molecular consequence: 3 prime UTR variant.
Genome position (GRCh38, 1-based): chr16:79,211,850, G>T. VCF-style: chr16-79211850-G-T. GRCh37 (hg19) VCF-style: chr16-79245747-G-T.
Other names: c.*54G>T (NM_001291997.2).
Identifiers: ClinVar variation 4084215 (VCV004084215.8).
Genomic context (GRCh38, chr16:79,211,850, plus strand): 5'-CGGCTAAGTGGAGCTCAGAGCGGATGGGCACACACACCCGCCCTGTGTGTGTCCCCTCAC[G>T]CAAGTGCCAGGGCTGGGCCCCTTCCAAATGTCCCTCCAACACAGATCCGCAAGAGTAAAG-3'